The following is an entry in ClinVar:

NM_017841.4(SDHAF2):c.184T>A (p.Ser62Thr)

Gene: SDHAF2 (succinate dehydrogenase complex assembly factor 2; plus strand). Cytogenetic location: 11q12.2.
Variant type: single nucleotide variant.
Coding change: c.184T>A on transcript NM_017841.4 (MANE Select); coding-DNA position 184, T replaced by A.
Protein change: p.Ser62Thr; replaces serine 62 with threonine.
Molecular consequence: missense variant.
Genome position (GRCh38, 1-based): chr11:61,437,772, T>A. VCF-style: chr11-61437772-T-A. GRCh37 (hg19) VCF-style: chr11-61205244-T-A.
Other names: short protein forms S62T.
Identifiers: ClinVar variation 3316869 (VCV003316869.2).

ClinVar aggregate classification (germline): Uncertain significance. Review status: criteria provided, multiple submitters, no conflicts (2 of 4 stars). 2 submissions from 2 submitters: Uncertain significance (2). Last evaluated 2025-04-20.

Conditions:
Hereditary cancer-predisposing syndrome. Also called: Neoplastic Syndromes, Hereditary; Tumor predisposition; Hereditary Cancer Syndrome; Hereditary neoplastic syndrome. Identifiers: Orphanet 140162, MedGen C0027672, MeSH D009386, MONDO:0015356.
Hereditary pheochromocytoma and paraganglioma. Also called: Hereditary paragangliomas and pheochromocytomas; Hereditary Paraganglioma-Pheochromocytoma Syndromes; Hereditary pheochromocytoma-paraganglioma. Identifiers: Orphanet 29072, MedGen C4274332, MONDO:0017366.

Submissions (2):

Labcorp Genetics (formerly Invitae), Labcorp
Classification: Uncertain significance for Hereditary pheochromocytoma and paraganglioma. Last evaluated: 2025-04-20. Review status: criteria provided, single submitter. Criteria: Invitae Variant Classification Sherloc (09022015). Collection method: clinical testing. Allele origin: germline.
Comment: This sequence change replaces serine, which is neutral and polar, with threonine, which is neutral and polar, at codon 62 of the SDHAF2 protein (p.Ser62Thr). This variant is not present in population databases (gnomAD no frequency). This variant has not been reported in the literature in individuals affected with SDHAF2-related conditions. ClinVar contains an entry for this variant (Variation ID: 3316869). An algorithm developed to predict the effect of missense changes on protein structure and function (PolyPhen-2) suggests that this variant is likely to be tolerated. In summary, the available evidence is currently insufficient to determine the role of this variant in disease. Therefore, it has been classified as a Variant of Uncertain Significance.

Ambry Genetics
Classification: Uncertain significance for Hereditary cancer-predisposing syndrome. Last evaluated: 2024-05-25. Review status: criteria provided, single submitter. Criteria: Ambry Variant Classification Scheme 2023. Collection method: clinical testing. Allele origin: germline.
Comment: The p.S62T variant (also known as c.184T>A), located in coding exon 2 of the SDHAF2 gene, results from a T to A substitution at nucleotide position 184. The serine at codon 62 is replaced by threonine, an amino acid with similar properties. This amino acid position is conserved. In addition, this alteration is predicted to be tolerated by in silico analysis. Based on the available evidence, the clinical significance of this variant remains unclear.